The following is an entry in ClinVar:

NM_020163.3(SEMA3G):c.1923G>T (p.Leu641=)

Gene: SEMA3G (semaphorin 3G; minus strand). Cytogenetic location: 3p21.1.
Variant type: single nucleotide variant.
Coding change: c.1923G>T on transcript NM_020163.3 (MANE Select); coding-DNA position 1923, G replaced by T.
Protein change: p.Leu641=; no amino-acid change (leucine 641 retained).
Molecular consequence: synonymous variant.
Genome position (GRCh38, 1-based): chr3:52,436,029, C>A on the plus strand (G>T on the coding strand, the complement: SEMA3G is on the minus strand). VCF-style: chr3-52436029-C-A. GRCh37 (hg19) VCF-style: chr3-52470045-C-A.
Identifiers: ClinVar variation 3356332 (VCV003356332.1).

ClinVar aggregate classification (germline): Likely benign (0 of 4 stars; one submission).

Conditions:
SEMA3G-related disorder. Also called: SEMA3G-related condition.

Submission:

PreventionGenetics, part of Exact Sciences
Classification: Likely benign for SEMA3G-related condition. Last evaluated: 2023-05-15. Review status: no assertion criteria provided. Collection method: clinical testing. Allele origin: germline.
Comment: This variant is classified as likely benign based on ACMG/AMP sequence variant interpretation guidelines (Richards et al. 2015 PMID: 25741868, with internal and published modifications).